The following is an entry in ClinVar:

ClinVar aggregate classification (germline): Conflicting classifications of pathogenicity. Review status: criteria provided, conflicting classifications (1 of 4 stars). 2 submissions from 2 submitters: Uncertain significance (1); Likely benign (1). Last evaluated 2025-12-19.

Conditions:
Inborn genetic diseases. Identifiers: MedGen C0950123, MeSH D030342.

gnomAD v4.1: 34 of 1,613,898 alleles (0.0021%); highest among the groups gnomAD compares: Non-Finnish European, 0.0027%; no homozygotes.

Submissions (2):

Labcorp Genetics (formerly Invitae), Labcorp
Classification: Uncertain significance. Last evaluated: 2025-12-19. Review status: criteria provided, single submitter. Criteria: Invitae Variant Classification Sherloc (09022015). Collection method: clinical testing. Allele origin: germline.
Comment: This sequence change replaces leucine, which is neutral and non-polar, with methionine, which is neutral and non-polar, at codon 801 of the MAGEL2 protein (p.Leu801Met). This variant is present in population databases (rs373124407, gnomAD 0.006%). This variant has not been reported in the literature in individuals affected with MAGEL2-related conditions. ClinVar contains an entry for this variant (Variation ID: 3869653). Invitae Evidence Modeling of protein sequence and biophysical properties (such as structural, functional, and spatial information, amino acid conservation, physicochemical variation, residue mobility, and thermodynamic stability) indicates that this missense variant is not expected to disrupt MAGEL2 protein function with a negative predictive value of 80%. In summary, the available evidence is currently insufficient to determine the role of this variant in disease. Therefore, it has been classified as a Variant of Uncertain Significance.

Ambry Genetics
Classification: Likely benign for Inborn genetic diseases. Last evaluated: 2025-02-21. Review status: criteria provided, single submitter. Criteria: Ambry Variant Classification Scheme 2023. Collection method: clinical testing. Allele origin: germline.

NM_019066.5(MAGEL2):c.2401C>A (p.Leu801Met)

Gene: MAGEL2 (MAGE family member L2; minus strand). Cytogenetic location: 15q11.2.
Variant type: single nucleotide variant.
Coding change: c.2401C>A on transcript NM_019066.5 (MANE Select); coding-DNA position 2401, C replaced by A.
Protein change: p.Leu801Met; replaces leucine 801 with methionine.
Molecular consequence: missense variant.
Genome position (GRCh38, 1-based): chr15:23,645,342, G>T on the plus strand (C>A on the coding strand, the complement: MAGEL2 is on the minus strand). VCF-style: chr15-23645342-G-T. GRCh37 (hg19) VCF-style: chr15-23890489-G-T.
Other names: short protein forms L801M.
Identifiers: ClinVar variation 3869653 (VCV003869653.2).